The following is an entry in ClinVar:

NM_000037.4(ANK1):c.1603-3C>G

Gene: ANK1 (ankyrin 1; minus strand). Cytogenetic location: 8p11.21.
Variant type: single nucleotide variant.
Coding change: c.1603-3C>G on transcript NM_000037.4 (MANE Select); 3 bases into the intron before coding-DNA position 1603, C replaced by G.
Molecular consequence: intron variant.
Genome position (GRCh38, 1-based): chr8:41,715,077, G>C on the plus strand (C>G on the coding strand, the complement: ANK1 is on the minus strand). VCF-style: chr8-41715077-G-C. GRCh37 (hg19) VCF-style: chr8-41572595-G-C.
Other names: p.?; c.1702-3C>G (NM_001142446.2); c.1603-3C>G (NM_020477.3, NM_020475.3, NM_020476.3).
Identifiers: ClinVar variation 3379812 (VCV003379812.1).

ClinVar aggregate classification (germline): Uncertain significance (1 of 4 stars; one submission).

Submission:

Mayo Clinic Laboratories, Mayo Clinic
Classification: Uncertain significance. Last evaluated: 2023-10-31. Review status: criteria provided, single submitter. Criteria: ACMG Guidelines, 2015. Collection method: clinical testing. Allele origin: germline. Observed: 1 variant allele.
Comment: PM2_moderate